The following is an entry in ClinVar:

NM_007294.4(BRCA1):c.5332+8C>T

Gene: BRCA1 (BRCA1 DNA repair associated; minus strand). Cytogenetic location: 17q21.31.
Variant type: single nucleotide variant.
Coding change: c.5332+8C>T on transcript NM_007294.4 (MANE Select); 8 bases into the intron after coding-DNA position 5332, C replaced by T.
Molecular consequence: intron variant.
Genome position (GRCh38, 1-based): chr17:43,051,055, G>A on the plus strand (C>T on the coding strand, the complement: BRCA1 is on the minus strand). VCF-style: chr17-43051055-G-A. GRCh37 (hg19) VCF-style: chr17-41203072-G-A.
Other names: c.1879+8C>T (NM_001408458.1, NM_001408461.1, NM_001408464.1 and 7 more transcripts); c.4441+8C>T (NM_001407967.1); c.4951+8C>T (NM_001407959.1); c.5065+8C>T (NM_001407931.1, NM_001407932.1, NM_001407928.1 and 4 more transcripts); c.5188+8C>T (NM_001407747.1, NM_001407745.1, NM_001407737.1 and 21 more transcripts); c.4948+8C>T (NM_001407962.1, NM_001407960.1); c.1519+8C>T (NM_001408512.1); c.1642+8C>T (NM_001408510.1); and 74 more.
Identifiers: ClinVar variation 382499 (VCV000382499.24), dbSNP rs772616764, ClinGen allele CA054559.

ClinVar aggregate classification (germline): Likely benign. Review status: criteria provided, multiple submitters, no conflicts (2 of 4 stars). 4 submissions from 4 submitters: Likely benign (4). Last evaluated 2024-08-19.

Conditions:
Hereditary breast ovarian cancer syndrome. Also called: Hereditary breast and ovarian cancer syndrome; Breast and ovarian cancer; Hereditary breast and ovarian cancer syndrome (HBOC); Hereditary breast and/or ovarian cancer syndrome; BRCA1- and BRCA2-Associated Hereditary Breast and Ovarian Cancer; Hereditary breast and ovarian cancer. Identifiers: Orphanet 145, MedGen C0677776, MeSH D061325, MONDO:0003582. Disease mechanism: loss of function.
Familial cancer of breast. Also called: Hereditary breast cancer; BREAST CANCER, FAMILIAL; hereditary breast carcinoma. Identifiers: Orphanet 227535, MedGen C0346153, MONDO:0016419, OMIM 114480. Disease mechanism: loss of function.
Fanconi anemia, complementation group S (FANCS). Identifiers: MedGen C4554406, MONDO:0054748, OMIM 617883.
Breast-ovarian cancer, familial, susceptibility to, 1 (BROVCA1). Also called: BRCA1 Hereditary Breast and Ovarian Cancer; OVARIAN CANCER, SUSCEPTIBILITY TO. Identifiers: Orphanet 145, MedGen C2676676, MONDO:0011450, OMIM 604370. Disease mechanism: loss of function.

Allele frequency attached by ClinVar (database versions not stated): gnomAD exomes below 0.00001 and 0.00001; ExAC 0.00002.
gnomAD v4.1: 2 of 1,613,448 alleles (0.00012%); highest among the groups gnomAD compares: South Asian, 0.0022%; no homozygotes.

Submissions (5):

Labcorp Genetics (formerly Invitae), Labcorp
Classification: Likely benign for Hereditary breast ovarian cancer syndrome. Last evaluated: 2024-08-19. Review status: criteria provided, single submitter. Criteria: Invitae Variant Classification Sherloc (09022015). Collection method: clinical testing. Allele origin: germline.

Department of Pathology and Laboratory Medicine, Sinai Health System
Classification: Likely benign for Familial cancer of breast; Breast-ovarian cancer, familial, susceptibility to, 1; Fanconi anemia, complementation group S. Last evaluated: 2023-01-16. Review status: criteria provided, single submitter. Criteria: ACMG Guidelines, 2015. Collection method: clinical testing. Allele origin: germline. Affected: yes.

Quest Diagnostics Nichols Institute San Juan Capistrano
Classification: Likely benign. Last evaluated: 2018-04-20. Review status: criteria provided, single submitter. Criteria: Quest Diagnostics criteria. Collection method: clinical testing. Allele origin: germline.

GeneDx
Classification: Likely benign. Last evaluated: 2015-12-22. Review status: criteria provided, single submitter. Criteria: GeneDx Variant Classification (06012015). Collection method: clinical testing. Allele origin: germline. Affected: yes.
Comment: This variant is considered likely benign or benign based on one or more of the following criteria: it is a conservative change, it occurs at a poorly conserved position in the protein, it is predicted to be benign by multiple in silico algorithms, and/or has population frequency not consistent with disease.

Brotman Baty Institute, University of Washington
No classification provided (evidence only). Condition: Breast-ovarian cancer, familial 1. Review status: no classification provided. Collection method: in vitro. Allele origin: not applicable. Functional consequence: functionally_normal. Not counted in ClinVar's aggregate classification.
ClinVar note: "not provided" was previously submitted as the classification for the variant. However, the classification appeared to be based only on an observation of functional data so it was converted to no classification on 2025-07-30.

Literature cited by the submitters: PubMed 30209399 (cited by Department of Pathology and Laboratory Medicine, Sinai Health System).